The following is an entry in ClinVar:

NM_025144.4(ALPK1):c.2360C>T (p.Pro787Leu)

Gene: ALPK1 (alpha kinase 1; plus strand). Cytogenetic location: 4q25.
Variant type: single nucleotide variant.
Coding change: c.2360C>T on transcript NM_025144.4 (MANE Select); coding-DNA position 2360, C replaced by T.
Protein change: p.Pro787Leu; replaces proline 787 with leucine.
Molecular consequence: missense variant.
Genome position (GRCh38, 1-based): chr4:112,431,907, C>T. VCF-style: chr4-112431907-C-T. GRCh37 (hg19) VCF-style: chr4-113353063-C-T.
Other names: c.2360C>T, p.Pro787Leu (NM_001102406.2); c.2126C>T, p.Pro709Leu (NM_001253884.2); c.2360C>T (NM_025144.3); short protein forms P787L, P709L.
Identifiers: ClinVar variation 3690183 (VCV003690183.3).

ClinVar aggregate classification (germline): Uncertain significance. Review status: criteria provided, multiple submitters, no conflicts (2 of 4 stars). 2 submissions from 2 submitters: Uncertain significance (2). Last evaluated 2025-08-23.

Conditions:
Inborn genetic diseases. Identifiers: MedGen C0950123, MeSH D030342.

Submissions (2):

Ambry Genetics
Classification: Uncertain significance for Inborn genetic diseases. Last evaluated: 2025-08-23. Review status: criteria provided, single submitter. Criteria: Ambry Variant Classification Scheme 2023. Collection method: clinical testing. Allele origin: germline.

Labcorp Genetics (formerly Invitae), Labcorp
Classification: Uncertain significance. Last evaluated: 2024-12-23. Review status: criteria provided, single submitter. Criteria: Invitae Variant Classification Sherloc (09022015). Collection method: clinical testing. Allele origin: germline.
Comment: This sequence change replaces proline, which is neutral and non-polar, with leucine, which is neutral and non-polar, at codon 787 of the ALPK1 protein (p.Pro787Leu). This variant is not present in population databases (gnomAD no frequency). This variant has not been reported in the literature in individuals affected with ALPK1-related conditions. Invitae Evidence Modeling of protein sequence and biophysical properties (such as structural, functional, and spatial information, amino acid conservation, physicochemical variation, residue mobility, and thermodynamic stability) indicates that this missense variant is not expected to disrupt ALPK1 protein function with a negative predictive value of 80%. In summary, the available evidence is currently insufficient to determine the role of this variant in disease. Therefore, it has been classified as a Variant of Uncertain Significance.